The following is an entry in ClinVar:

ClinVar aggregate classification (germline): Likely benign (0 of 4 stars; one submission).

Conditions:
MCM6-related disorder. Also called: MCM6-related condition.

Allele frequency attached by ClinVar (database versions not stated): 1000 Genomes Project 30x 0.00031; 1000 Genomes Project 0.00040; gnomAD 0.00076; ExAC 0.00098; TOPMed 0.00099; ESP Exome Variant Server 0.00100.

Submission:

PreventionGenetics, part of Exact Sciences
Classification: Likely benign for MCM6-related condition. Last evaluated: 2019-07-12. Review status: no assertion criteria provided. Collection method: clinical testing. Allele origin: germline.
Comment: This variant is classified as likely benign based on ACMG/AMP sequence variant interpretation guidelines (Richards et al. 2015 PMID: 25741868, with internal and published modifications).

NM_005915.6(MCM6):c.274C>T (p.Arg92Trp)

Gene: MCM6 (minichromosome maintenance complex component 6; minus strand). Cytogenetic location: 2q21.3.
Variant type: single nucleotide variant.
Coding change: c.274C>T on transcript NM_005915.6 (MANE Select); coding-DNA position 274, C replaced by T.
Protein change: p.Arg92Trp; replaces arginine 92 with tryptophan.
Molecular consequence: missense variant.
Genome position (GRCh38, 1-based): chr2:135,870,342, G>A on the plus strand (C>T on the coding strand, the complement: MCM6 is on the minus strand). VCF-style: chr2-135870342-G-A. GRCh37 (hg19) VCF-style: chr2-136627912-G-A.
Other names: short protein forms R92W.
Identifiers: ClinVar variation 3033745 (VCV003033745.2), dbSNP rs61752701, ClinGen allele CA1889321.